The following is an entry in ClinVar:

ClinVar aggregate classification (germline): Uncertain significance (1 of 4 stars; one submission).

Submission:

Labcorp Genetics (formerly Invitae), Labcorp
Classification: Uncertain significance. Last evaluated: 2024-02-01. Review status: criteria provided, single submitter. Criteria: Invitae Variant Classification Sherloc (09022015). Collection method: clinical testing. Allele origin: germline.
Comment: This sequence change affects an acceptor splice site in intron 7 of the CLCN6 gene. It is expected to disrupt RNA splicing. Variants that disrupt the donor or acceptor splice site typically lead to a loss of protein function (PMID: 16199547), however the current clinical and genetic evidence is not sufficient to establish whether loss-of-function variants in CLCN6 cause disease. This variant is not present in population databases (gnomAD no frequency). This variant has not been reported in the literature in individuals affected with CLCN6-related conditions. Algorithms developed to predict the effect of sequence changes on RNA splicing suggest that this variant may disrupt the consensus splice site. In summary, the available evidence is currently insufficient to determine the role of this variant in disease. Therefore, it has been classified as a Variant of Uncertain Significance.

Literature cited by the submitters: PubMed 16199547.

NM_001286.5(CLCN6):c.581-1G>A

Gene: CLCN6 (chloride voltage-gated channel 6; plus strand). Cytogenetic location: 1p36.22.
Variant type: single nucleotide variant.
Coding change: c.581-1G>A on transcript NM_001286.5 (MANE Select); the canonical splice acceptor site of the intron before coding-DNA position 581, G replaced by A.
Molecular consequence: splice acceptor variant.
Genome position (GRCh38, 1-based): chr1:11,824,485, G>A. VCF-style: chr1-11824485-G-A. GRCh37 (hg19) VCF-style: chr1-11884542-G-A.
Other names: c.515-1G>A (NM_001256959.2).
Identifiers: ClinVar variation 3637968 (VCV003637968.2).